The following is an entry in ClinVar:

NM_001846.4(COL4A2):c.3125C>T (p.Pro1042Leu)

Gene: COL4A2 (collagen type IV alpha 2 chain; plus strand). Cytogenetic location: 13q34.
Variant type: single nucleotide variant.
Coding change: c.3125C>T on transcript NM_001846.4 (MANE Select); coding-DNA position 3125, C replaced by T.
Protein change: p.Pro1042Leu; replaces proline 1042 with leucine.
Molecular consequence: missense variant.
Genome position (GRCh38, 1-based): chr13:110,485,754, C>T. VCF-style: chr13-110485754-C-T. GRCh37 (hg19) VCF-style: chr13-111138101-C-T.
Other names: c.3125C>T (NM_001846.2); short protein forms P1042L.
Identifiers: ClinVar variation 1927003 (VCV001927003.7), dbSNP rs1479434007, ClinGen allele CA388729359.

ClinVar aggregate classification (germline): Uncertain significance. Review status: criteria provided, multiple submitters, no conflicts (2 of 4 stars). 3 submissions from 3 submitters: Uncertain significance (3). Last evaluated 2024-03-18.

Conditions:
Inborn genetic diseases. Identifiers: MedGen C0950123, MeSH D030342.

Allele frequency attached by ClinVar (database versions not stated): TOPMed below 0.00001; gnomAD 0.00001; gnomAD exomes 0.00001.
gnomAD v4.1: 10 of 1,613,794 alleles (0.00062%); highest among the groups gnomAD compares: Non-Finnish European, 0.00085%; no homozygotes.

Submissions (3):

Ambry Genetics
Classification: Uncertain significance for Inborn genetic diseases. Last evaluated: 2024-03-18. Review status: criteria provided, single submitter. Criteria: Ambry Variant Classification Scheme 2023. Collection method: clinical testing. Allele origin: germline.

GeneDx
Classification: Uncertain significance. Last evaluated: 2023-06-18. Review status: criteria provided, single submitter. Criteria: GeneDx Variant Classification Process June 2021. Collection method: clinical testing. Allele origin: germline. Affected: yes.
Comment: Not observed at significant frequency in large population cohorts (gnomAD); In silico analysis supports that this missense variant has a deleterious effect on protein structure/function; Occurs in the triple helical domain at the Y position in the canonical Gly-X-Y repeat; although this variant may have an effect on normal protein folding and function, missense substitution at the Y position is not a common mechanism of disease; Has not been previously published as pathogenic or benign to our knowledge

Labcorp Genetics (formerly Invitae), Labcorp
Classification: Uncertain significance. Last evaluated: 2022-05-14. Review status: criteria provided, single submitter. Criteria: Invitae Variant Classification Sherloc (09022015). Collection method: clinical testing. Allele origin: germline.
Comment: This sequence change replaces proline, which is neutral and non-polar, with leucine, which is neutral and non-polar, at codon 1042 of the COL4A2 protein (p.Pro1042Leu). This variant is not present in population databases (gnomAD no frequency). This variant has not been reported in the literature in individuals affected with COL4A2-related conditions. Advanced modeling of protein sequence and biophysical properties (such as structural, functional, and spatial information, amino acid conservation, physicochemical variation, residue mobility, and thermodynamic stability) performed at Invitae indicates that this missense variant is not expected to disrupt COL4A2 protein function. In summary, the available evidence is currently insufficient to determine the role of this variant in disease. Therefore, it has been classified as a Variant of Uncertain Significance.